The following is an entry in ClinVar:

NM_000212.3(ITGB3):c.428T>C (p.Leu143Ser)

Gene: ITGB3 (integrin subunit beta 3; plus strand). Cytogenetic location: 17q21.32.
Variant type: single nucleotide variant.
Coding change: c.428T>C on transcript NM_000212.3 (MANE Select); coding-DNA position 428, T replaced by C.
Protein change: p.Leu143Ser; replaces leucine 143 with serine.
Molecular consequence: missense variant.
Genome position (GRCh38, 1-based): chr17:47,284,509, T>C. VCF-style: chr17-47284509-T-C. GRCh37 (hg19) VCF-style: chr17-45361875-T-C.
Other names: NM_000212.3:c.428T>C; short protein forms L143S.
Identifiers: ClinVar variation 3242394 (VCV003242394.1), dbSNP rs121918452.

ClinVar aggregate classification (germline): Likely pathogenic (3 of 4 stars; one submission).

Conditions:
Glanzmann thrombasthenia. Also called: PLATELET GLYCOPROTEIN IIb-IIIa DEFICIENCY; Thrombasthenia; Glanzmann's thrombasthenia; BLEEDING DISORDER, PLATELET-TYPE, 2; THROMBASTHENIA OF GLANZMANN AND NAEGELI. Identifiers: Orphanet 849, MedGen C0040015, MONDO:0100326.

Submission:

ClinGen Platelet Disorders Variant Curation Expert Panel, ClinGen
Classification: Likely pathogenic for Glanzmann thrombasthenia. Last evaluated: 2024-03-07. Review status: reviewed by expert panel. Criteria: ClinGen Platelet ACMG Specifications v2-1. Collection method: curation. Allele origin: germline. Inheritance: Autosomal recessive inheritance.
Comment: The NM_000212.3(ITGB3):c.428T>C (p.Leu143Ser) missense variant is absent from gnomADv4.0.0 (PM2_supporting) and has a REVEL score of 0.973, above the >.0.7 threshold in support of a deleterious effect (PP3). Another missense variant NM_000212.3(ITGB3):c.428T>G (p.Leu143Trp) in the same codon has been classified as likely pathogenic for Glanzmann thrombasthenia by the ClinGen PD VCEP (PM5_supporting). It has been reported once, homozygous in Patient 15 of PMID: 36672149 has history of bleeding and impaired aggregation to at least two agonists, but normal agglutination with ristocetin (PM3_supporting; PP4_Moderate). In summary, this variant meets criteria to be classified as likely pathogenic for autosomal recessive Glanzmann thrombasthenia. GT-specific criteria applied: PM2_supporting, PP3, PM5_supporting, PM3_supporting, PP4_Moderate.